The following is an entry in ClinVar:

ClinVar aggregate classification (germline): Uncertain significance (1 of 4 stars; one submission).

Allele frequency attached by ClinVar (database versions not stated): gnomAD exomes below 0.00001.
gnomAD v4.1: 1 of 1,612,366 alleles (0.000062%); highest among the groups gnomAD compares: Admixed American, 0.0017%; no homozygotes.

Submission:

Labcorp Genetics (formerly Invitae), Labcorp
Classification: Uncertain significance. Last evaluated: 2024-11-18. Review status: criteria provided, single submitter. Criteria: Invitae Variant Classification Sherloc (09022015). Collection method: clinical testing. Allele origin: germline.
Comment: This sequence change replaces histidine, which is basic and polar, with leucine, which is neutral and non-polar, at codon 219 of the USH2A protein (p.His219Leu). This variant is present in population databases (no rsID available, gnomAD 0.006%). This variant has not been reported in the literature in individuals affected with USH2A-related conditions. ClinVar contains an entry for this variant (Variation ID: 1915323). Invitae Evidence Modeling of protein sequence and biophysical properties (such as structural, functional, and spatial information, amino acid conservation, physicochemical variation, residue mobility, and thermodynamic stability) has been performed for this missense variant. However, the output from this modeling did not meet the statistical confidence thresholds required to predict the impact of this variant on USH2A protein function. In summary, the available evidence is currently insufficient to determine the role of this variant in disease. Therefore, it has been classified as a Variant of Uncertain Significance.

NM_206933.4(USH2A):c.656A>T (p.His219Leu)

Gene: USH2A (usherin; minus strand). Cytogenetic location: 1q41.
Variant type: single nucleotide variant.
Coding change: c.656A>T on transcript NM_206933.4 (MANE Select); coding-DNA position 656, A replaced by T.
Protein change: p.His219Leu; replaces histidine 219 with leucine.
Molecular consequence: missense variant.
Genome position (GRCh38, 1-based): chr1:216,365,081, T>A on the plus strand (A>T on the coding strand, the complement: USH2A is on the minus strand). VCF-style: chr1-216365081-T-A. GRCh37 (hg19) VCF-style: chr1-216538423-T-A.
Other names: c.656A>T, p.His219Leu (NM_007123.6); short protein forms H219L.
Identifiers: ClinVar variation 1915323 (VCV001915323.3), dbSNP rs1218611395, ClinGen allele CA344908791.